The following is an entry in ClinVar:

ClinVar aggregate classification (germline): Conflicting classifications of pathogenicity. Review status: criteria provided, conflicting classifications (1 of 4 stars). 11 submissions from 11 submitters: Uncertain significance (1); Benign (1); Likely benign (8). 1 of the submissions does not count toward it. Last evaluated 2026-05-01.

Conditions:
BAP1-related disorder. Also called: BAP1-related condition.
Hereditary cancer-predisposing syndrome. Also called: Hereditary neoplastic syndrome; Tumor predisposition; Neoplastic Syndromes, Hereditary; Hereditary Cancer Syndrome. Identifiers: Orphanet 140162, MedGen C0027672, MeSH D009386, MONDO:0015356.
BAP1-related tumor predisposition syndrome (TPDS1). Also called: Tumor susceptibility linked to germline BAP1 mutations; TUMOR PREDISPOSITION SYNDROME 1; BAP1 tumor predisposition syndrome; COMMON Syndrome. Identifiers: Orphanet 289539, MedGen C3280492, MONDO:0013692, OMIM 614327.

Allele frequency attached by ClinVar (database versions not stated): TOPMed 0.00003; gnomAD 0.00009; 1000 Genomes Project 30x 0.00016; 1000 Genomes Project 0.00020.
gnomAD v4.1: 29 of 1,612,016 alleles (0.0018%); highest among the groups gnomAD compares: Admixed American, 0.039%; no homozygotes.

Submissions (11):

CeGaT Center for Human Genetics Tuebingen
Classification: Likely benign. Last evaluated: 2026-05-01. Review status: criteria provided, single submitter. Criteria: CeGaT Center For Human Genetics Tuebingen Variant Classification Criteria Version 2. Collection method: clinical testing. Allele origin: germline. Affected: yes. Observed: 3 variant alleles.
Comment: BAP1: BP4, BP7

Labcorp Genetics (formerly Invitae), Labcorp
Classification: Likely benign for BAP1-related tumor predisposition syndrome. Last evaluated: 2026-01-24. Review status: criteria provided, single submitter. Criteria: Invitae Variant Classification Sherloc (09022015). Collection method: clinical testing. Allele origin: germline.

Myriad Genetics, Inc.
Classification: Benign for BAP1-related tumor predisposition syndrome. Last evaluated: 2024-07-11. Review status: criteria provided, single submitter. Criteria: Myriad Autosomal Dominant, Autosomal Recessive and X-Linked Classification Criteria (2023). Collection method: clinical testing. Allele origin: unknown.
Comment: This variant is considered benign. This variant is a silent/synonymous amino acid change and it is not expected to impact splicing.

Quest Diagnostics Nichols Institute San Juan Capistrano
Classification: Likely benign. Last evaluated: 2023-07-18. Review status: criteria provided, single submitter. Criteria: Quest Diagnostics criteria. Collection method: clinical testing. Allele origin: unknown.

Sema4
Classification: Likely benign for Hereditary cancer-predisposing syndrome. Last evaluated: 2021-02-04. Review status: criteria provided, single submitter. Criteria: Sema4 Curation Guidelines. Collection method: curation. Allele origin: germline.

Blueprint Genetics
Classification: Likely benign. Last evaluated: 2021-01-08. Review status: criteria provided, single submitter. Criteria: ACMG Guidelines, 2015. Collection method: clinical testing. Allele origin: germline.

GeneDx
Classification: Likely benign. Last evaluated: 2020-10-06. Review status: criteria provided, single submitter. Criteria: GeneDx Variant Classification Process June 2021. Collection method: clinical testing. Allele origin: germline. Affected: yes.

Eurofins Ntd Llc (ga)
Classification: Uncertain significance. Last evaluated: 2018-03-27. Review status: criteria provided, single submitter. Criteria: EGL ClinVar v180209 classification definitions. Collection method: clinical testing. Allele origin: germline. Observed: 1 variant allele, 1 heterozygote.

Ambry Genetics
Classification: Likely benign for Hereditary cancer-predisposing syndrome. Last evaluated: 2017-01-23. Review status: criteria provided, single submitter. Criteria: Ambry Variant Classification Scheme 2023. Collection method: clinical testing. Allele origin: germline.

Color Diagnostics, LLC DBA Color Health
Classification: Likely benign for Hereditary cancer-predisposing syndrome. Last evaluated: 2016-12-14. Review status: criteria provided, single submitter. Criteria: ACMG Guidelines, 2015. Collection method: clinical testing. Allele origin: germline.

PreventionGenetics, part of Exact Sciences
Classification: Likely benign for BAP1-related condition. Last evaluated: 2020-03-16. Review status: no assertion criteria provided. Collection method: clinical testing. Allele origin: germline. Not counted in ClinVar's aggregate classification.
Comment: This variant is classified as likely benign based on ACMG/AMP sequence variant interpretation guidelines (Richards et al. 2015 PMID: 25741868, with internal and published modifications).

NM_004656.4(BAP1):c.186C>T (p.Val62=)

Gene: BAP1 (BRCA1 associated deubiquitinase 1; minus strand). Cytogenetic location: 3p21.1.
Variant type: single nucleotide variant.
Coding change: c.186C>T on transcript NM_004656.4 (MANE Select); coding-DNA position 186, C replaced by T.
Protein change: p.Val62=; no amino-acid change (valine 62 retained).
Molecular consequence: synonymous variant.
Genome position (GRCh38, 1-based): chr3:52,408,543, G>A on the plus strand (C>T on the coding strand, the complement: BAP1 is on the minus strand). VCF-style: chr3-52408543-G-A. GRCh37 (hg19) VCF-style: chr3-52442559-G-A.
Other names: c.186C>T (LRG_529t1).
Identifiers: ClinVar variation 472682 (VCV000472682.36), dbSNP rs199608453, ClinGen allele CA2437163.